The following is an entry in ClinVar:

NM_001943.5(DSG2):c.2210G>A (p.Gly737Asp)

Genes: DSG2 (desmoglein 2; plus strand), DSG2-AS1 (DSG2 antisense RNA 1; minus strand). Cytogenetic location: 18q12.1.
Variant type: single nucleotide variant.
Coding change: c.2210G>A on transcript NM_001943.5 (MANE Select); coding-DNA position 2210, G replaced by A.
Protein change: p.Gly737Asp; replaces glycine 737 with aspartic acid.
Molecular consequence: missense variant.
Genome position (GRCh38, 1-based): chr18:31,542,728, G>A. VCF-style: chr18-31542728-G-A. GRCh37 (hg19) VCF-style: chr18-29122691-G-A.
Other names: short protein forms G737D.
Identifiers: ClinVar variation 1787766 (VCV001787766.2), dbSNP rs2073276851, ClinGen allele CA402142551.

ClinVar aggregate classification (germline): Uncertain significance (1 of 4 stars; one submission).

Conditions:
Cardiovascular phenotype. Identifiers: MedGen CN230736.

Submission:

Ambry Genetics
Classification: Uncertain significance for Cardiovascular phenotype. Last evaluated: 2022-07-19. Review status: criteria provided, single submitter. Criteria: Ambry Variant Classification Scheme 2023. Collection method: clinical testing. Allele origin: germline.
Comment: The p.G737D variant (also known as c.2210G>A), located in coding exon 14 of the DSG2 gene, results from a G to A substitution at nucleotide position 2210. The glycine at codon 737 is replaced by aspartic acid, an amino acid with similar properties. This alteration was observed in a Japanese population cohort of 2049 individuals who underwent whole-genome sequencing (Yamaguchi-Kabata Y et al. J Hum Genet, 2018 Feb;63:213-230). This amino acid position is well conserved in available vertebrate species. In addition, this alteration is predicted to be deleterious by in silico analysis. Since supporting evidence is limited at this time, the clinical significance of this alteration remains unclear.

Literature cited by the submitters: PubMed 29192238.